The following is an entry in ClinVar:

NM_007198.4(PLPBP):c.704T>G (p.Val235Gly)

Gene: PLPBP (pyridoxal phosphate binding protein; plus strand). Cytogenetic location: 8p11.23.
Variant type: single nucleotide variant.
Coding change: c.704T>G on transcript NM_007198.4 (MANE Select); coding-DNA position 704, T replaced by G.
Protein change: p.Val235Gly; replaces valine 235 with glycine.
Molecular consequence: missense variant.
Genome position (GRCh38, 1-based): chr8:37,777,980, T>G. VCF-style: chr8-37777980-T-G. GRCh37 (hg19) VCF-style: chr8-37635498-T-G.
Other names: c.704T>G (NM_007198.3); c.734T>G, p.Val245Gly (NM_001349346.2); c.698T>G, p.Val233Gly (NM_001349347.2); c.548T>G, p.Val183Gly (NM_001349348.2); short protein forms V183G, V233G, V235G, V245G.
Identifiers: ClinVar variation 802398 (VCV000802398.8), dbSNP rs367850837, ClinGen allele CA4711351.

ClinVar aggregate classification (germline): Conflicting classifications of pathogenicity. Review status: criteria provided, conflicting classifications (1 of 4 stars). 5 submissions from 5 submitters: Likely pathogenic (1); Uncertain significance (4). Last evaluated 2026-03-28.

Conditions:
Epilepsy, early-onset, vitamin B6-dependent. Also called: PLPBP Deficiency; EPILEPSY, EARLY-ONSET, 1, VITAMIN B6-DEPENDENT. Identifiers: MedGen C4310632, MONDO:0015005, OMIM 617290.

Allele frequency attached by ClinVar (database versions not stated): ExAC 0.00012; TOPMed 0.00012; gnomAD 0.00013 and 0.00014; gnomAD exomes 0.00014 and 0.00022; ESP Exome Variant Server 0.00023.
gnomAD v4.1: 335 of 1,611,816 alleles (0.021%); highest among the groups gnomAD compares: Non-Finnish European, 0.027%; no homozygotes.

Submissions (5):

GeneDx
Classification: Likely pathogenic. Last evaluated: 2026-03-28. Review status: criteria provided, single submitter. Criteria: GeneDx Variant Classification Process June 2021. Collection method: clinical testing. Allele origin: germline.
Comment: Not observed at significant frequency in large population cohorts (gnomAD); In silico analysis supports that this missense variant has a deleterious effect on protein structure/function; This variant is associated with the following publications: (PMID: 36324377)

Dasa
Classification: Uncertain significance. Last evaluated: 2026-03-04. Review status: criteria provided, single submitter. Criteria: DASA Assertion Criteria. Collection method: clinical testing. Allele origin: germline.
Comment: NM_007198.4(PLPBP):c.704T>G (p.Val235Gly) is a missense variant that results in the substitution of valine with glycine. This variant has been observed in affected individuals with PLPBP-related disorders. Also, this variant is rare in population databases. The currently available literature and clinical evidence are not sufficient to establish a definitive association between this variant and the reported condition. Therefore, this variant is classified as a variant of uncertain significance.

Blueprint Genetics
Classification: Uncertain significance. Last evaluated: 2024-08-28. Review status: criteria provided, single submitter. Criteria: ACMG Guidelines, 2015. Collection method: clinical testing. Allele origin: germline.

Labcorp Genetics (formerly Invitae), Labcorp
Classification: Uncertain significance. Last evaluated: 2022-07-30. Review status: criteria provided, single submitter. Criteria: Invitae Variant Classification Sherloc (09022015). Collection method: clinical testing. Allele origin: germline.
Comment: This sequence change replaces valine, which is neutral and non-polar, with glycine, which is neutral and non-polar, at codon 235 of the PROSC protein (p.Val235Gly). This variant is present in population databases (rs367850837, gnomAD 0.03%). This variant has not been reported in the literature in individuals affected with PROSC-related conditions. ClinVar contains an entry for this variant (Variation ID: 802398). Algorithms developed to predict the effect of missense changes on protein structure and function are either unavailable or do not agree on the potential impact of this missense change (SIFT: "Deleterious"; PolyPhen-2: "Benign"; Align-GVGD: "Class C15"). In summary, the available evidence is currently insufficient to determine the role of this variant in disease. Therefore, it has been classified as a Variant of Uncertain Significance.

Mendelics
Classification: Uncertain significance for Epilepsy, early-onset, vitamin B6-dependent. Last evaluated: 2019-05-28. Review status: criteria provided, single submitter. Criteria: Mendelics Assertion Criteria 2017. Collection method: clinical testing. Allele origin: unknown.